The following is an entry in ClinVar:

ClinVar aggregate classification (germline): Benign (0 of 4 stars; one submission).

Conditions:
LOXL1-related disorder. Also called: LOXL1-related condition.

Allele frequency attached by ClinVar (database versions not stated): 1000 Genomes Project 0.01238; 1000 Genomes Project 30x 0.01249; ExAC 0.01511; ESP Exome Variant Server 0.01542; TOPMed 0.02292; gnomAD 0.02468.
gnomAD v4.1: 51,030 of 1,487,556 alleles (3.4%); highest among the groups gnomAD compares: Non-Finnish European, 4%; 1,019 homozygotes.

Submission:

PreventionGenetics, part of Exact Sciences
Classification: Benign for LOXL1-related condition. Last evaluated: 2019-04-25. Review status: no assertion criteria provided. Collection method: clinical testing. Allele origin: germline.
Comment: This variant is classified as benign based on ACMG/AMP sequence variant interpretation guidelines (Richards et al. 2015 PMID: 25741868, with internal and published modifications).

NM_005576.4(LOXL1):c.876C>T (p.Asp292=)

Genes: LOXL1 (lysyl oxidase like 1; plus strand), LOXL1-AS1 (LOXL1 antisense RNA 1; minus strand). Cytogenetic location: 15q24.1.
Variant type: single nucleotide variant.
Coding change: c.876C>T on transcript NM_005576.4 (MANE Select); coding-DNA position 876, C replaced by T.
Protein change: p.Asp292=; no amino-acid change (aspartic acid 292 retained).
Molecular consequence: synonymous variant. On other transcripts: non-coding transcript variant (2).
Genome position (GRCh38, 1-based): chr15:73,927,659, C>T. VCF-style: chr15-73927659-C-T. GRCh37 (hg19) VCF-style: chr15-74220000-C-T.
Identifiers: ClinVar variation 3038417 (VCV003038417.2), dbSNP rs41429348, ClinGen allele CA7651606.